The following is an entry in ClinVar:

ClinVar aggregate classification (germline): Likely benign. Review status: criteria provided, multiple submitters, no conflicts (2 of 4 stars). 2 submissions from 2 submitters: Likely benign (2). Last evaluated 2026-03-23.

Conditions:
NOX1-related disorder. Also called: NOX1-related condition.

Allele frequency attached by ClinVar (database versions not stated): gnomAD exomes 0.00007; 1000 Genomes Project 0.00026; ESP Exome Variant Server 0.00047; gnomAD 0.00064; TOPMed 0.00068; ExAC 0.00015; 1000 Genomes Project 30x 0.00021.
gnomAD v4.1: 145 of 1,208,856 alleles (0.012%); highest among the groups gnomAD compares: African/African-American, 0.23%; no homozygotes.

Submissions (2):

PreventionGenetics, part of Exact Sciences
Classification: Likely benign for NOX1-related condition. Last evaluated: 2026-03-23. Review status: criteria provided, single submitter. Criteria: ACMG Guidelines, 2015. Collection method: clinical testing. Allele origin: germline.
Comment: This variant is classified as likely benign based on ACMG/AMP sequence variant interpretation guidelines (Richards et al. 2015 PMID: 25741868, with internal and published modifications).

Ambry Genetics
Classification: Likely benign. Last evaluated: 2022-06-27. Review status: criteria provided, single submitter. Criteria: Ambry Variant Classification Scheme 2023. Collection method: clinical testing. Allele origin: germline.

NM_007052.5(NOX1):c.1357A>G (p.Thr453Ala)

Gene: NOX1 (NADPH oxidase 1; minus strand). Cytogenetic location: Xq22.1.
Variant type: single nucleotide variant.
Coding change: c.1357A>G on transcript NM_007052.5 (MANE Select); coding-DNA position 1357, A replaced by G.
Protein change: p.Thr453Ala; replaces threonine 453 with alanine.
Molecular consequence: missense variant. On other transcripts: intron variant (1).
Genome position (GRCh38, 1-based): chrX:100,849,366, T>C on the plus strand (A>G on the coding strand, the complement: NOX1 is on the minus strand). VCF-style: chrX-100849366-T-C. GRCh37 (hg19) VCF-style: chrX-100104355-T-C.
Other names: c.1246A>G, p.Thr416Ala (NM_001271815.2); c.1296+406A>G (NM_013955.3); short protein forms T453A, T416A.
Identifiers: ClinVar variation 2348356 (VCV002348356.3), dbSNP rs146470843, ClinGen allele CA10470458.